The following is an entry in ClinVar:

NM_005236.3(ERCC4):c.2650C>T (p.Leu884Phe)

Gene: ERCC4 (ERCC excision repair 4, endonuclease catalytic subunit; plus strand). Cytogenetic location: 16p13.12.
Variant type: single nucleotide variant.
Coding change: c.2650C>T on transcript NM_005236.3 (MANE Select); coding-DNA position 2650, C replaced by T.
Protein change: p.Leu884Phe; replaces leucine 884 with phenylalanine.
Molecular consequence: missense variant.
Genome position (GRCh38, 1-based): chr16:13,948,246, C>T. VCF-style: chr16-13948246-C-T. GRCh37 (hg19) VCF-style: chr16-14042103-C-T.
Other names: short protein forms L884F.
Identifiers: ClinVar variation 2042354 (VCV002042354.3), dbSNP rs1270535396, ClinGen allele CA394824764.

ClinVar aggregate classification (germline): Uncertain significance (1 of 4 stars; one submission).

Conditions:
Xeroderma pigmentosum, group F (XPF). Also called: XERODERMA PIGMENTOSUM, TYPE F; Xeroderma pigmentosum, type 6; XERODERMA PIGMENTOSUM, COMPLEMENTATION GROUP F; ERCC4-Related Xeroderma Pigmentosum; XERODERMA PIGMENTOSUM VI; XP, GROUP F. Identifiers: MedGen C0268140, MONDO:0010215, OMIM 278760.
Cockayne syndrome. Identifiers: Orphanet 191, MedGen C0009207, MONDO:0016006.
Fanconi anemia complementation group Q. Identifiers: Orphanet 84, MedGen C3808988, MONDO:0014108, OMIM 615272.

Allele frequency attached by ClinVar (database versions not stated): gnomAD exomes below 0.00001.

Submission:

Labcorp Genetics (formerly Invitae), Labcorp
Classification: Uncertain significance for Fanconi anemia complementation group Q; Xeroderma pigmentosum, group F; Cockayne syndrome. Last evaluated: 2022-08-11. Review status: criteria provided, single submitter. Criteria: Invitae Variant Classification Sherloc (09022015). Collection method: clinical testing. Allele origin: germline.
Comment: Algorithms developed to predict the effect of missense changes on protein structure and function are either unavailable or do not agree on the potential impact of this missense change (SIFT: "Deleterious"; PolyPhen-2: "Probably Damaging"; Align-GVGD: "Class C0"). In summary, the available evidence is currently insufficient to determine the role of this variant in disease. Therefore, it has been classified as a Variant of Uncertain Significance. This variant has not been reported in the literature in individuals affected with ERCC4-related conditions. This variant is present in population databases (no rsID available, gnomAD 0.002%). This sequence change replaces leucine, which is neutral and non-polar, with phenylalanine, which is neutral and non-polar, at codon 884 of the ERCC4 protein (p.Leu884Phe).